The following is an entry in ClinVar:

ClinVar aggregate classification (germline): Uncertain significance (1 of 4 stars; one submission).

Submission:

GeneDx
Classification: Uncertain significance. Last evaluated: 2022-12-06. Review status: criteria provided, single submitter. Criteria: GeneDx Variant Classification Process June 2021. Collection method: clinical testing. Allele origin: germline. Affected: yes.
Comment: Not observed at significant frequency in large population cohorts (gnomAD); In silico analysis supports that this missense variant has a deleterious effect on protein structure/function; Has not been previously published as pathogenic or benign to our knowledge

NM_152416.4(NDUFAF6):c.962C>G (p.Pro321Arg)

Gene: NDUFAF6 (NADH:ubiquinone oxidoreductase complex assembly factor 6; plus strand). Cytogenetic location: 8q22.1.
Variant type: single nucleotide variant.
Coding change: c.962C>G on transcript NM_152416.4 (MANE Select); coding-DNA position 962, C replaced by G.
Protein change: p.Pro321Arg; replaces proline 321 with arginine.
Molecular consequence: missense variant. On other transcripts: non-coding transcript variant (3), intron variant (1).
Genome position (GRCh38, 1-based): chr8:95,057,897, C>G. VCF-style: chr8-95057897-C-G. GRCh37 (hg19) VCF-style: chr8-96070125-C-G.
Other names: c.686C>G, p.Pro229Arg (NM_001330582.2, NM_001354514.2, NM_001354515.2); c.806C>G, p.Pro269Arg (NM_001354516.2); c.629C>G, p.Pro210Arg (NM_001354517.2, NM_001354518.2, NM_001354519.2 and 1 more transcripts); c.506C>G, p.Pro169Arg (NM_001354522.2, NM_001354524.2, NM_001354525.2 and 7 more transcripts); c.483+9339C>G (NM_001354534.2); short protein forms P169R, P210R, P229R, P269R, P321R.
Identifiers: ClinVar variation 2504930 (VCV002504930.1), dbSNP rs1447631428, ClinGen allele CA371747946.
Genomic context (GRCh38, chr8:95,057,897, plus strand): 5'-TTCAGCGAGTGGATTTTGATATATTCCACCCATCTTTACAGCAGAAGAATACATTACTTC[C>G]ATTATATTTGTATATTCAGTCATGGAGAAAAACATATTAAAATAATTTCATGGCATTGAT-3'
Protein context (NP_689629.2, residues 311-331): PSLQQKNTLL[Pro321Arg]LYLYIQSWRK